The following is an entry in ClinVar:

ClinVar aggregate classification (germline): Pathogenic (1 of 4 stars; one submission).

Conditions:
Ataxia-telangiectasia syndrome (AT). Also called: ATAXIA-TELANGIECTASIA, COMPLEMENTATION GROUP A; ATAXIA-TELANGIECTASIA, FRESNO VARIANT; Ataxia-telangiectasia, complementation group E; Ataxia telangiectasia (A-T); LOUIS-BAR SYNDROME; Cerebello-oculocutaneous telangiectasia. Identifiers: Orphanet 100, MedGen C0004135, MONDO:0008840, OMIM 208900.

Submission:

Labcorp Genetics (formerly Invitae), Labcorp
Classification: Pathogenic for Ataxia-telangiectasia syndrome. Last evaluated: 2021-08-12. Review status: criteria provided, single submitter. Criteria: Invitae Variant Classification Sherloc (09022015). Collection method: clinical testing. Allele origin: germline.
Comment: This variant is a gross deletion of the genomic region encompassing exon(s) 46-63 of the ATM gene, which includes the termination codon. This deletion extends beyond the assayed region for this gene and therefore may encompass additional genes. While this deletion is not anticipated to lead to nonsense mediated decay, it is expected to alter mRNA translation or result in a truncated protein product. This variant has not been reported in the literature in individuals affected with ATM-related conditions. This variant disrupts a region of the ATM protein in which other variant(s) (deletion of exons 62-63) have been determined to be pathogenic (PMID: 9443866). This suggests that this is a clinically significant region of the protein, and that variants that disrupt it are likely to be disease-causing. For these reasons, this variant has been classified as Pathogenic.

Literature cited by the submitters: PubMed 9443866.

NC_000011.10:g.(?_108325300)_(108365508_?)del

Gene: ATM (ATM serine/threonine kinase; plus strand). Cytogenetic location: 11q22.3.
Variant type: Deletion.
Identifiers: ClinVar variation 831502 (VCV000831502.6).